The following is an entry in ClinVar:

NM_000890.5(KCNJ5):c.349G>A (p.Asp117Asn)

Gene: KCNJ5 (potassium inwardly rectifying channel subfamily J member 5; plus strand). Cytogenetic location: 11q24.3.
Variant type: single nucleotide variant.
Coding change: c.349G>A on transcript NM_000890.5 (MANE Select); coding-DNA position 349, G replaced by A.
Protein change: p.Asp117Asn; replaces aspartic acid 117 with asparagine.
Molecular consequence: missense variant.
Genome position (GRCh38, 1-based): chr11:128,911,622, G>A. VCF-style: chr11-128911622-G-A. GRCh37 (hg19) VCF-style: chr11-128781517-G-A.
Other names: c.349G>A, p.Asp117Asn (NM_001354169.2); short protein forms D117N.
Identifiers: ClinVar variation 4818876 (VCV004818876.1).
Genomic context (GRCh38, chr11:128,911,622, plus strand): 5'-TACACTGTCACCTGGCTGTTCTTCGGCTTCATTTGGTGGCTCATTGCTTATATCCGGGGT[G>A]ACCTGGACCATGTTGGCGACCAAGAGTGGATTCCTTGTGTTGAAAACCTCAGTGGCTTCG-3'
Protein context (NP_000881.3, residues 107-127): IWWLIAYIRG[Asp117Asn]LDHVGDQEWI

ClinVar aggregate classification (germline): Uncertain significance (1 of 4 stars; one submission).

Conditions:
Long QT syndrome 13 (LQT13). Identifiers: Orphanet 101016, Orphanet 768, MedGen C3150733, MONDO:0013279, OMIM 613485.

gnomAD v4.1: 2 of 1,614,072 alleles (0.00012%); highest among the groups gnomAD compares: Non-Finnish European, 0.00017%; no homozygotes.

Submission:

MVZ Medizinische Genetik Mainz
Classification: Uncertain significance for Long QT syndrome 13. Last evaluated: 2026-02-16. Review status: criteria provided, single submitter. Criteria: UK Practice Guidelines For Variant Classification V4 01 2020. Collection method: clinical testing. Allele origin: germline. Inheritance: Autosomal dominant inheritance. Affected: yes. Observed: 1 variant allele.
Comment: ACMG Criteria: PP3_MOD,PM2_SUP